The following is an entry in ClinVar:

ClinVar aggregate classification (germline): Uncertain significance. Review status: criteria provided, multiple submitters, no conflicts (2 of 4 stars). 2 submissions from 2 submitters: Uncertain significance (2). Last evaluated 2022-09-28.

Conditions:
Cardiovascular phenotype. Identifiers: MedGen CN230736.
Hypertrophic cardiomyopathy 10. Also called: CARDIOMYOPATHY, HYPERTROPHIC, MID-LEFT VENTRICULAR CHAMBER TYPE, 2; MYL2-Related Familial Hypertrophic Cardiomyopathy. Identifiers: MedGen C1834460, MONDO:0012112, OMIM 608758.

Submissions (2):

Ambry Genetics
Classification: Uncertain significance for Cardiovascular phenotype. Last evaluated: 2022-09-28. Review status: criteria provided, single submitter. Criteria: Ambry Variant Classification Scheme 2023. Collection method: clinical testing. Allele origin: germline.
Comment: The p.E164K variant (also known as c.490G>A), located in coding exon 7 of the MYL2 gene, results from a G to A substitution at nucleotide position 490. The glutamic acid at codon 164 is replaced by lysine, an amino acid with similar properties. This amino acid position is conserved. In addition, the in silico prediction for this alteration is inconclusive. Since supporting evidence is limited at this time, the clinical significance of this alteration remains unclear.

Labcorp Genetics (formerly Invitae), Labcorp
Classification: Uncertain significance for Hypertrophic cardiomyopathy 10. Last evaluated: 2022-09-22. Review status: criteria provided, single submitter. Criteria: Invitae Variant Classification Sherloc (09022015). Collection method: clinical testing. Allele origin: germline.
Comment: This sequence change replaces glutamic acid, which is acidic and polar, with lysine, which is basic and polar, at codon 164 of the MYL2 protein (p.Glu164Lys). This variant is not present in population databases (gnomAD no frequency). This variant has not been reported in the literature in individuals affected with MYL2-related conditions. Algorithms developed to predict the effect of missense changes on protein structure and function are either unavailable or do not agree on the potential impact of this missense change (SIFT: "Deleterious"; PolyPhen-2: "Possibly Damaging"; Align-GVGD: "Class C0"). In summary, the available evidence is currently insufficient to determine the role of this variant in disease. Therefore, it has been classified as a Variant of Uncertain Significance.

NM_000432.4(MYL2):c.490G>A (p.Glu164Lys)

Gene: MYL2 (myosin light chain 2; minus strand). Cytogenetic location: 12q24.11.
Variant type: single nucleotide variant.
Coding change: c.490G>A on transcript NM_000432.4 (MANE Select); coding-DNA position 490, G replaced by A.
Protein change: p.Glu164Lys; replaces glutamic acid 164 with lysine.
Molecular consequence: missense variant.
Genome position (GRCh38, 1-based): chr12:110,911,088, C>T on the plus strand (G>A on the coding strand, the complement: MYL2 is on the minus strand). VCF-style: chr12-110911088-C-T. GRCh37 (hg19) VCF-style: chr12-111348892-C-T.
Other names: c.448G>A, p.Glu150Lys (NM_001406745.1, NM_001406746.1); c.433G>A, p.Glu145Lys (NM_001406916.1); short protein forms E145K, E150K, E164K.
Identifiers: ClinVar variation 1720074 (VCV001720074.8), dbSNP rs2499805933, ClinGen allele CA386696706.
Genomic context (GRCh38, chr12:110,911,088, plus strand): 5'-AGGGACCACTCTGCAAAGACGAGCCCAGGGCGCAGCAGCGAGCCCCCTCCTAGTCCTTCT[C>T]TTCTCCGTGGGTGATGATGTGCACCAGGTTCTTGTAGTCCAAGTTGCCAGTCACGTCAGG-3'
Protein context (NP_000423.2, residues 154-166): NLVHIITHGE[Glu164Lys]KD